The following is an entry in ClinVar:

NM_001270508.2(TNFAIP3):c.1907-5T>G

Gene: TNFAIP3 (TNF alpha induced protein 3; plus strand). Cytogenetic location: 6q23.3.
Variant type: single nucleotide variant.
Coding change: c.1907-5T>G on transcript NM_001270508.2 (MANE Select); 5 bases into the intron before coding-DNA position 1907, T replaced by G.
Molecular consequence: intron variant.
Genome position (GRCh38, 1-based): chr6:137,880,066, T>G. VCF-style: chr6-137880066-T-G. GRCh37 (hg19) VCF-style: chr6-138201203-T-G.
Other names: c.1907-5T>G (NM_001270507.2, NM_006290.4).
Identifiers: ClinVar variation 3656010 (VCV003656010.2).

ClinVar aggregate classification (germline): Uncertain significance (1 of 4 stars; one submission).

Submission:

Labcorp Genetics (formerly Invitae), Labcorp
Classification: Uncertain significance. Last evaluated: 2024-10-12. Review status: criteria provided, single submitter. Criteria: Invitae Variant Classification Sherloc (09022015). Collection method: clinical testing. Allele origin: germline.
Comment: This sequence change falls in intron 7 of the TNFAIP3 gene. It does not directly change the encoded amino acid sequence of the TNFAIP3 protein. This variant is not present in population databases (gnomAD no frequency). This variant has not been reported in the literature in individuals affected with TNFAIP3-related conditions. Algorithms developed to predict the effect of sequence changes on RNA splicing suggest that this variant may disrupt the consensus splice site. In summary, the available evidence is currently insufficient to determine the role of this variant in disease. Therefore, it has been classified as a Variant of Uncertain Significance.